The following is an entry in ClinVar:

ClinVar aggregate classification (germline): Conflicting classifications of pathogenicity. Review status: criteria provided, conflicting classifications (1 of 4 stars). 4 submissions from 4 submitters: Uncertain significance (2); Likely benign (1). 1 of the submissions does not count toward it. Last evaluated 2025-07-21.

Conditions:
Primary ciliary dyskinesia. Also called: Ciliary dyskinesia. Identifiers: Orphanet 244, MedGen C0008780, MONDO:0016575, HP:0012265.

Allele frequency attached by ClinVar (database versions not stated): gnomAD exomes 0.00002 and 0.00003; ExAC 0.00003; gnomAD 0.00005; TOPMed 0.00007; ESP Exome Variant Server 0.00008.
gnomAD v4.1: 38 of 1,613,786 alleles (0.0024%); highest among the groups gnomAD compares: Admixed American, 0.0033%; no homozygotes.

Submissions (4):

Labcorp Genetics (formerly Invitae), Labcorp
Classification: Likely benign for Primary ciliary dyskinesia. Last evaluated: 2025-07-21. Review status: criteria provided, single submitter. Criteria: Invitae Variant Classification Sherloc (09022015). Collection method: clinical testing. Allele origin: germline.

GeneDx
Classification: Uncertain significance. Last evaluated: 2024-04-16. Review status: criteria provided, single submitter. Criteria: GeneDx Variant Classification Process June 2021. Collection method: clinical testing. Allele origin: germline. Affected: yes.
Comment: In silico analysis indicates that this missense variant does not alter protein structure/function; Has not been previously published as pathogenic or benign to our knowledge

Ambry Genetics
Classification: Uncertain significance for Primary ciliary dyskinesia. Last evaluated: 2023-04-28. Review status: criteria provided, single submitter. Criteria: Ambry Variant Classification Scheme 2023. Collection method: clinical testing. Allele origin: germline.

Natera, Inc.
Classification: Uncertain significance for Primary ciliary dyskinesia. Last evaluated: 2020-09-16. Review status: no assertion criteria provided. Collection method: clinical testing. Allele origin: germline. Not counted in ClinVar's aggregate classification.

NM_001369.3(DNAH5):c.3302T>C (p.Val1101Ala)

Genes: DNAH5 (dynein axonemal heavy chain 5; minus strand), DNAH5-AS1 (DNAH5 antisense RNA 1; plus strand). Cytogenetic location: 5p15.2.
Variant type: single nucleotide variant.
Coding change: c.3302T>C on transcript NM_001369.3 (MANE Select); coding-DNA position 3302, T replaced by C.
Protein change: p.Val1101Ala; replaces valine 1101 with alanine.
Molecular consequence: missense variant.
Genome position (GRCh38, 1-based): chr5:13,876,778, A>G on the plus strand (T>C on the coding strand, the complement: DNAH5 is on the minus strand). VCF-style: chr5-13876778-A-G. GRCh37 (hg19) VCF-style: chr5-13876887-A-G.
Other names: short protein forms V1101A.
Identifiers: ClinVar variation 660236 (VCV000660236.14), dbSNP rs376453450, ClinGen allele CA3204316.